The following is an entry in ClinVar:

NM_004621.6(TRPC6):c.430G>C (p.Glu144Gln)

Gene: TRPC6 (transient receptor potential cation channel subfamily C member 6; minus strand). Cytogenetic location: 11q22.1.
Variant type: single nucleotide variant.
Coding change: c.430G>C on transcript NM_004621.6 (MANE Select); coding-DNA position 430, G replaced by C.
Protein change: p.Glu144Gln; replaces glutamic acid 144 with glutamine.
Molecular consequence: missense variant.
Genome position (GRCh38, 1-based): chr11:101,504,539, C>G on the plus strand (G>C on the coding strand, the complement: TRPC6 is on the minus strand). VCF-style: chr11-101504539-C-G. GRCh37 (hg19) VCF-style: chr11-101375270-C-G.
Other names: short protein forms E144Q.
Identifiers: ClinVar variation 2681754 (VCV002681754.2), dbSNP rs2496224973.

ClinVar aggregate classification (germline): Likely pathogenic (1 of 4 stars; one submission).

Conditions:
Focal segmental glomerulosclerosis 2 (FSGS2). Identifiers: Orphanet 656, MedGen C1858915, MONDO:0011390, OMIM 603965.

Submission:

Precision Medicine Center, Zhengzhou University
Classification: Likely pathogenic for Focal segmental glomerulosclerosis 2. Last evaluated: 2023-12-01. Review status: criteria provided, single submitter. Criteria: ACMG Guidelines, 2015. Collection method: clinical testing. Allele origin: de novo. Affected: yes.
Comment: PS2,PM2_p,PP3